The following is an entry in ClinVar:

ClinVar aggregate classification (germline): Uncertain significance (1 of 4 stars; one submission).

Allele frequency attached by ClinVar (database versions not stated): gnomAD 0.00001; TOPMed 0.00005.
gnomAD v4.1: 5 of 1,613,106 alleles (0.00031%); highest among the groups gnomAD compares: Admixed American, 0.0017%; no homozygotes.

Submission:

Labcorp Genetics (formerly Invitae), Labcorp
Classification: Uncertain significance. Last evaluated: 2021-03-02. Review status: criteria provided, single submitter. Criteria: Invitae Variant Classification Sherloc (09022015). Collection method: clinical testing. Allele origin: germline.
Comment: In summary, the available evidence is currently insufficient to determine the role of this variant in disease. Therefore, it has been classified as a Variant of Uncertain Significance. Algorithms developed to predict the effect of missense changes on protein structure and function are either unavailable or do not agree on the potential impact of this missense change (SIFT: "Tolerated"; PolyPhen-2: "Probably Damaging"; Align-GVGD: "Class C0"). This variant has not been reported in the literature in individuals with PPIB-related conditions. This variant is present in population databases (rs747974523, ExAC 0.01%). This sequence change replaces alanine with aspartic acid at codon 78 of the PPIB protein (p.Ala78Asp). The alanine residue is moderately conserved and there is a moderate physicochemical difference between alanine and aspartic acid.

NM_000942.5(PPIB):c.233C>A (p.Ala78Asp)

Gene: PPIB (peptidylprolyl isomerase B; minus strand). Cytogenetic location: 15q22.31.
Variant type: single nucleotide variant.
Coding change: c.233C>A on transcript NM_000942.5 (MANE Select); coding-DNA position 233, C replaced by A.
Protein change: p.Ala78Asp; replaces alanine 78 with aspartic acid.
Molecular consequence: missense variant.
Genome position (GRCh38, 1-based): chr15:64,162,057, G>T on the plus strand (C>A on the coding strand, the complement: PPIB is on the minus strand). VCF-style: chr15-64162057-G-T. GRCh37 (hg19) VCF-style: chr15-64454256-G-T.
Other names: short protein forms A78D.
Identifiers: ClinVar variation 1499048 (VCV001499048.8), dbSNP rs747974523, ClinGen allele CA7608566.